The following is an entry in ClinVar:

NM_015295.3(SMCHD1):c.4576G>A (p.Asp1526Asn)

Gene: SMCHD1 (structural maintenance of chromosomes flexible hinge domain containing 1; plus strand). Cytogenetic location: 18p11.32.
Variant type: single nucleotide variant.
Coding change: c.4576G>A on transcript NM_015295.3 (MANE Select); coding-DNA position 4576, G replaced by A.
Protein change: p.Asp1526Asn; replaces aspartic acid 1526 with asparagine.
Molecular consequence: missense variant.
Genome position (GRCh38, 1-based): chr18:2,763,646, G>A. VCF-style: chr18-2763646-G-A. GRCh37 (hg19) VCF-style: chr18-2763644-G-A.
Other names: short protein forms D1526N.
Identifiers: ClinVar variation 1041874 (VCV001041874.8), dbSNP rs1198273154, ClinGen allele CA401696563.

ClinVar aggregate classification (germline): Uncertain significance (1 of 4 stars; one submission).

Conditions:
Facioscapulohumeral muscular dystrophy 2 (FSHD2). Also called: MUSCULAR DYSTROPHY, FACIOSCAPULOHUMERAL, TYPE 1B; FACIOSCAPULOHUMERAL MUSCULAR DYSTROPHY 2, DIGENIC; FSHD2, DIGENIC. Identifiers: Orphanet 269, MedGen C1834671, MONDO:0008031, OMIM 158901.

Allele frequency attached by ClinVar (database versions not stated): gnomAD exomes below 0.00001 and 0.00001; gnomAD 0.00001.
gnomAD v4.1: 8 of 1,568,480 alleles (0.00051%); highest among the groups gnomAD compares: Admixed American, 0.0064%; no homozygotes.

Submission:

Labcorp Genetics (formerly Invitae), Labcorp
Classification: Uncertain significance for Facioscapulohumeral muscular dystrophy 2. Last evaluated: 2024-03-25. Review status: criteria provided, single submitter. Criteria: Invitae Variant Classification Sherloc (09022015). Collection method: clinical testing. Allele origin: germline.
Comment: This sequence change replaces aspartic acid, which is acidic and polar, with asparagine, which is neutral and polar, at codon 1526 of the SMCHD1 protein (p.Asp1526Asn). The frequency data for this variant in the population databases is considered unreliable, as metrics indicate poor data quality at this position in the gnomAD database. This variant has not been reported in the literature in individuals affected with SMCHD1-related conditions. ClinVar contains an entry for this variant (Variation ID: 1041874). Advanced modeling of protein sequence and biophysical properties (such as structural, functional, and spatial information, amino acid conservation, physicochemical variation, residue mobility, and thermodynamic stability) performed at Invitae indicates that this missense variant is not expected to disrupt SMCHD1 protein function with a negative predictive value of 80%. In summary, the available evidence is currently insufficient to determine the role of this variant in disease. Therefore, it has been classified as a Variant of Uncertain Significance.